The following is an entry in ClinVar:

ClinVar aggregate classification (germline): Uncertain significance (1 of 4 stars; one submission).

Conditions:
Wilson disease (WND). Also called: Wilson's disease. Identifiers: Orphanet 905, MedGen C0019202, MONDO:0010200, OMIM 277900. Disease mechanism: loss of function.

Allele frequency attached by ClinVar (database versions not stated): gnomAD exomes below 0.00001.
gnomAD v4.1: 1 of 1,614,028 alleles (0.000062%); highest among the groups gnomAD compares: Non-Finnish European, 0.000085%; no homozygotes.

Submission:

Labcorp Genetics (formerly Invitae), Labcorp
Classification: Uncertain significance for Wilson disease. Last evaluated: 2022-03-10. Review status: criteria provided, single submitter. Criteria: Invitae Variant Classification Sherloc (09022015). Collection method: clinical testing. Allele origin: germline.
Comment: In summary, the available evidence is currently insufficient to determine the role of this variant in disease. Therefore, it has been classified as a Variant of Uncertain Significance. Algorithms developed to predict the effect of missense changes on protein structure and function (SIFT, PolyPhen-2, Align-GVGD) all suggest that this variant is likely to be disruptive. This variant has not been reported in the literature in individuals affected with ATP7B-related conditions. This variant is not present in population databases (gnomAD no frequency). This sequence change replaces isoleucine, which is neutral and non-polar, with threonine, which is neutral and polar, at codon 570 of the ATP7B protein (p.Ile570Thr).

NM_000053.4(ATP7B):c.1709T>C (p.Ile570Thr)

Gene: ATP7B (ATPase copper transporting beta; minus strand). Cytogenetic location: 13q14.3.
Variant type: single nucleotide variant.
Coding change: c.1709T>C on transcript NM_000053.4 (MANE Select); coding-DNA position 1709, T replaced by C.
Protein change: p.Ile570Thr; replaces isoleucine 570 with threonine.
Molecular consequence: missense variant.
Genome position (GRCh38, 1-based): chr13:51,965,032, A>G on the plus strand (T>C on the coding strand, the complement: ATP7B is on the minus strand). VCF-style: chr13-51965032-A-G. GRCh37 (hg19) VCF-style: chr13-52539168-A-G.
Other names: c.1709T>C, p.Ile570Thr (NM_001406512.1, NM_001406513.1, NM_001406515.1 and 24 more transcripts); c.1676T>C, p.Ile559Thr (NM_001406514.1, NM_001406524.1); c.1613T>C, p.Ile538Thr (NM_001406517.1, NM_001406518.1, NM_001406530.1 and 3 more transcripts); c.1376T>C, p.Ile459Thr (NM_001243182.2); c.1280T>C, p.Ile427Thr (NM_001406539.1); short protein forms I559T, I459T, I570T, I427T, I538T.
Identifiers: ClinVar variation 2103819 (VCV002103819.4), dbSNP rs563210058, ClinGen allele CA250061626.